The following is an entry in ClinVar:

NM_001365951.3(KIF1B):c.3905A>C (p.Lys1302Thr)

Gene: KIF1B (kinesin family member 1B; plus strand). Cytogenetic location: 1p36.22.
Variant type: single nucleotide variant.
Coding change: c.3905A>C on transcript NM_001365951.3 (MANE Select); coding-DNA position 3905, A replaced by C.
Protein change: p.Lys1302Thr; replaces lysine 1302 with threonine.
Molecular consequence: missense variant.
Genome position (GRCh38, 1-based): chr1:10,348,689, A>C. VCF-style: chr1-10348689-A-C. GRCh37 (hg19) VCF-style: chr1-10408747-A-C.
Other names: c.3905A>C, p.Lys1302Thr (NM_001365952.1); c.3767A>C, p.Lys1256Thr (NM_015074.3); short protein forms K1256T, K1302T.
Identifiers: ClinVar variation 3226475 (VCV003226475.1), dbSNP rs941444889, ClinGen allele CA17846283.
Genomic context (GRCh38, chr1:10,348,689, plus strand): 5'-AACCCTGCTTCATTACCTAGGGCATCCAGCGAAGGATCACAGTGACCATTATCCATGAGA[A>C]GGGGAGCGAGCTCCATTGGAAAGATGTTCGTGAACTGGTGGTAGGTGAGTACGTTTCATC-3'
Protein context (NP_001352880.1, residues 1292-1312): RRITVTIIHE[Lys1302Thr]GSELHWKDVR

ClinVar aggregate classification (germline): Uncertain significance (1 of 4 stars; one submission).

Allele frequency attached by ClinVar (database versions not stated): gnomAD 0.00002; TOPMed 0.00002.
gnomAD v4.1: 4 of 1,614,040 alleles (0.00025%); highest among the groups gnomAD compares: African/African-American, 0.0053%; no homozygotes.

Submission:

Ambry Genetics
Classification: Uncertain significance. Last evaluated: 2023-12-29. Review status: criteria provided, single submitter. Criteria: Ambry Variant Classification Scheme 2023. Collection method: clinical testing. Allele origin: germline.
Comment: The p.K1256T variant (also known as c.3767A>C), located in coding exon 34 of the KIF1B gene, results from an A to C substitution at nucleotide position 3767. The lysine at codon 1256 is replaced by threonine, an amino acid with similar properties. This amino acid position is conserved. In addition, this alteration is predicted to be tolerated by in silico analysis. Since supporting evidence is limited at this time, the clinical significance of this alteration remains unclear.